The following is an entry in ClinVar:

NM_006015.6(ARID1A):c.4082T>C (p.Met1361Thr)

Gene: ARID1A (AT-rich interaction domain 1A; plus strand). Cytogenetic location: 1p36.11.
Variant type: single nucleotide variant.
Coding change: c.4082T>C on transcript NM_006015.6 (MANE Select); coding-DNA position 4082, T replaced by C.
Protein change: p.Met1361Thr; replaces methionine 1361 with threonine.
Molecular consequence: missense variant.
Genome position (GRCh38, 1-based): chr1:26,773,879, T>C. VCF-style: chr1-26773879-T-C. GRCh37 (hg19) VCF-style: chr1-27100370-T-C.
Other names: c.4082T>C, p.Met1361Thr (NM_139135.4); short protein forms M1361T.
Identifiers: ClinVar variation 2430421 (VCV002430421.1), dbSNP rs1378766800, ClinGen allele CA339172411.

ClinVar aggregate classification (germline): Uncertain significance (1 of 4 stars; one submission).

Submission:

GeneDx
Classification: Uncertain significance. Last evaluated: 2022-08-19. Review status: criteria provided, single submitter. Criteria: GeneDx Variant Classification Process June 2021. Collection method: clinical testing. Allele origin: germline. Affected: yes.
Comment: Not observed at significant frequency in large population cohorts (gnomAD); In silico analysis supports that this missense variant has a deleterious effect on protein structure/function; Has not been previously published as pathogenic or benign to our knowledge